The following is an entry in ClinVar:

NM_001382391.1(CSPP1):c.1767_1769del (p.Glu589del)

Gene: CSPP1 (centrosome and spindle pole associated protein 1; plus strand). Cytogenetic location: 8q13.2.
Variant type: Deletion.
Coding change: c.1767_1769del on transcript NM_001382391.1 (MANE Select); coding-DNA positions 1767 to 1769, 3 bases deleted (AGA; older notation c.1767_1769delAGA).
Protein change: p.Glu589del; deletes glutamic acid 589.
Molecular consequence: inframe deletion. On other transcripts: inframe indel (1).
Genome position (GRCh38, 1-based): chr8:67,132,020-67,132,022, AGA deleted; deleting any 3 consecutive bases within chr8:67,132,018-67,132,022 gives the same sequence; the c. name uses the placement nearest the transcript's 3' end. VCF-style (leftmost placement, unchanged base first): chr8-67132017-TGAA-T. GRCh37 (hg19) VCF-style: chr8-68044252-TGAA-T.
Other names: c.870_872del, p.Glu290del (NM_001291339.2); c.1686_1688del, p.Glu562del (NM_001363131.2); c.1725_1727del, p.Glu575del (NM_001363132.2); c.1644_1646del, p.Glu548del (NM_001363133.2); c.1833_1835del, p.Glu611del (NM_001364869.1); c.1653_1655del, p.Glu551del (NM_001364870.1); c.1752_1754delAGA, p.Glu584del (NM_024790.7); short protein forms E290del, E548del, E551del, E562del, E575del, E584del, E589del, E611del.
Identifiers: ClinVar variation 1051791 (VCV001051791.9), dbSNP rs1821332797, ClinGen allele CA1790802454.

ClinVar aggregate classification (germline): Uncertain significance (1 of 4 stars; one submission).

Conditions:
Joubert syndrome 21 (JBTS21). Identifiers: MedGen C3810212, MONDO:0014288, OMIM 615636.

Submission:

Labcorp Genetics (formerly Invitae), Labcorp
Classification: Uncertain significance for Joubert syndrome 21. Last evaluated: 2022-03-19. Review status: criteria provided, single submitter. Criteria: Invitae Variant Classification Sherloc (09022015). Collection method: clinical testing. Allele origin: germline.
Comment: This variant, c.1752_1754del, results in the deletion of 1 amino acid(s) of the CSPP1 protein (p.Glu584del), but otherwise preserves the integrity of the reading frame. This variant is not present in population databases (gnomAD no frequency). This variant has not been reported in the literature in individuals affected with CSPP1-related conditions. ClinVar contains an entry for this variant (Variation ID: 1051791). Experimental studies and prediction algorithms are not available or were not evaluated, and the functional significance of this variant is currently unknown. In summary, the available evidence is currently insufficient to determine the role of this variant in disease. Therefore, it has been classified as a Variant of Uncertain Significance.